The following is an entry in ClinVar:

NM_000092.5(COL4A4):c.2707G>A (p.Gly903Ser)

Gene: COL4A4 (collagen type IV alpha 4 chain; minus strand). Cytogenetic location: 2q36.3.
Variant type: single nucleotide variant.
Coding change: c.2707G>A on transcript NM_000092.5 (MANE Select); coding-DNA position 2707, G replaced by A.
Protein change: p.Gly903Ser; replaces glycine 903 with serine.
Molecular consequence: missense variant.
Genome position (GRCh38, 1-based): chr2:227,055,954, C>T on the plus strand (G>A on the coding strand, the complement: COL4A4 is on the minus strand). VCF-style: chr2-227055954-C-T. GRCh37 (hg19) VCF-style: chr2-227920670-C-T.
Other names: p.(Gly903Ser); short protein forms G903S.
Identifiers: ClinVar variation 3719293 (VCV003719293.3).
Genomic context (GRCh38, chr2:227,055,954, plus strand): 5'-GGATTTCATGTTTCTAAGATGGGAGGACATCATGGAAAAAGCACTACCTACCCTTTGGAC[C>T]TGGAGGACCAGGTAGCCCATCATCTCCAAAGGGACCTGGGATTCCTGGGAGGCCTGGGGG-3'
Protein context (NP_000083.3, residues 893-913): FGDDGLPGPP[Gly903Ser]PKGPRGLPGF

ClinVar aggregate classification (germline): Conflicting classifications of pathogenicity. Review status: criteria provided, conflicting classifications (1 of 4 stars). 2 submissions from 2 submitters: Likely pathogenic (1); Uncertain significance (1). Last evaluated 2026-05-08.

Conditions:
Autosomal dominant Alport syndrome (ATS3A). Also called: Alport syndrome dominant type; Renal failure and sensorineural hearing loss; ALPORT SYNDROME 3A, AUTOSOMAL DOMINANT. Identifiers: Orphanet 63, Orphanet 88918, MedGen C5882663, MONDO:0007086, OMIM 104200.

Submissions (2):

Centre de Génétique Humaine, Institut de Pathologie Et de Génétique
Classification: Likely pathogenic for Autosomal dominant Alport syndrome. Last evaluated: 2026-05-08. Review status: criteria provided, single submitter. Criteria: ACMG Guidelines, 2015. Collection method: clinical testing. Allele origin: paternal. Inheritance: Autosomal dominant inheritance. Affected: yes. Observed: 4 variant alleles, 4 heterozygotes. Clinical features observed: Microscopic hematuria (HP:0002907), Severe albuminuria (HP:0033066), Hypertensive disorder (HP:0000822), Multiple renal cysts (HP:0005562), Stage 2 chronic kidney disease (HP:0012624). Segregation with disease observed.
Comment: This missense variant involves a highly conserved glycine located in a ‘Gly-X-Y’ motif in collagenous region, which is characteristic of the pathogenic variants identified in the COL4A4 gene (PM1,PP2). This variant is rare: absent in gnomAD v4.1.0 database (PM2). Another missense variant affecting the same residue described as LP in ClinVar: c.2707G>T, p.(Gly903Cys), (PM5). In silico analysis supports that this missense variant has a deleterious effect (PP3)

Labcorp Genetics (formerly Invitae), Labcorp
Classification: Uncertain significance. Last evaluated: 2024-10-17. Review status: criteria provided, single submitter. Criteria: Invitae Variant Classification Sherloc (09022015). Collection method: clinical testing. Allele origin: germline.
Comment: This sequence change replaces glycine, which is neutral and non-polar, with serine, which is neutral and polar, at codon 903 of the COL4A4 protein (p.Gly903Ser). This variant is not present in population databases (gnomAD no frequency). This variant has not been reported in the literature in individuals affected with COL4A4-related conditions. Invitae Evidence Modeling of protein sequence and biophysical properties (such as structural, functional, and spatial information, amino acid conservation, physicochemical variation, residue mobility, and thermodynamic stability) indicates that this missense variant is expected to disrupt COL4A4 protein function with a positive predictive value of 95%. In summary, the available evidence is currently insufficient to determine the role of this variant in disease. Therefore, it has been classified as a Variant of Uncertain Significance.